The following is an entry in ClinVar:

NM_001754.5(RUNX1):c.669G>C (p.Glu223Asp)

Gene: RUNX1 (RUNX family transcription factor 1; minus strand). Cytogenetic location: 21q22.12.
Variant type: single nucleotide variant.
Coding change: c.669G>C on transcript NM_001754.5 (MANE Select); coding-DNA position 669, G replaced by C.
Protein change: p.Glu223Asp; replaces glutamic acid 223 with aspartic acid.
Molecular consequence: missense variant.
Genome position (GRCh38, 1-based): chr21:34,834,546, C>G on the plus strand (G>C on the coding strand, the complement: RUNX1 is on the minus strand). VCF-style: chr21-34834546-C-G. GRCh37 (hg19) VCF-style: chr21-36206843-C-G.
Other names: c.588G>C, p.Glu196Asp (NM_001001890.3, NM_001122607.2); short protein forms E196D, E223D.
Identifiers: ClinVar variation 4843706 (VCV004843706.1).

ClinVar aggregate classification (germline): Uncertain significance (1 of 4 stars; one submission).

Conditions:
Inborn genetic diseases. Identifiers: MedGen C0950123, MeSH D030342.

Submission:

Ambry Genetics
Classification: Uncertain significance for Inborn genetic diseases. Last evaluated: 2025-12-20. Review status: criteria provided, single submitter. Criteria: Ambry Variant Classification Scheme 2023. Collection method: clinical testing. Allele origin: germline.
Comment: The p.E223D variant (also known as c.669G>C), located in coding exon 6 of the RUNX1 gene, results from a G to C substitution at nucleotide position 669. The glutamic acid at codon 223 is replaced by aspartic acid, an amino acid with highly similar properties. This amino acid position is conserved. In addition, the in silico prediction for this alteration is inconclusive. Based on the available evidence, the clinical significance of this variant remains unclear.